The following is an entry in ClinVar:

ClinVar aggregate classification (germline): Uncertain significance (1 of 4 stars; one submission).

Conditions:
Muscular dystrophy-dystroglycanopathy (congenital with brain and eye anomalies), type a, 11 (MDDGA11). Also called: Congenital muscular dystrophy-dystroglycanopathy with brain and eye anomalies, type A11; Muscular dystrophy-dystroglycanopathy (congenital with brain and eye anomalies, type A, 11; WALKER-WARBURG SYNDROME OR MUSCLE-EYE-BRAIN DISEASE, B3GALNT2-RELATED. Identifiers: Orphanet 588, Orphanet 899, MedGen C3554638, MONDO:0014071, OMIM 615181.

Allele frequency attached by ClinVar (database versions not stated): gnomAD exomes below 0.00001 and 0.00001; TOPMed below 0.00001; ExAC 0.00001; gnomAD 0.00001.

Submission:

Labcorp Genetics (formerly Invitae), Labcorp
Classification: Uncertain significance for Muscular dystrophy-dystroglycanopathy (congenital with brain and eye anomalies), type a, 11. Last evaluated: 2022-06-27. Review status: criteria provided, single submitter. Criteria: Invitae Variant Classification Sherloc (09022015). Collection method: clinical testing. Allele origin: germline.
Comment: In summary, the available evidence is currently insufficient to determine the role of this variant in disease. Therefore, it has been classified as a Variant of Uncertain Significance. Algorithms developed to predict the effect of missense changes on protein structure and function are either unavailable or do not agree on the potential impact of this missense change (SIFT: "Deleterious"; PolyPhen-2: "Probably Damaging"; Align-GVGD: "Class C0"). This variant has not been reported in the literature in individuals affected with B3GALNT2-related conditions. This variant is present in population databases (rs751860328, gnomAD 0.0009%). This sequence change replaces aspartic acid, which is acidic and polar, with tyrosine, which is neutral and polar, at codon 245 of the B3GALNT2 protein (p.Asp245Tyr).

NM_152490.5(B3GALNT2):c.733G>T (p.Asp245Tyr)

Gene: B3GALNT2 (beta-1,3-N-acetylgalactosaminyltransferase 2; minus strand). Cytogenetic location: 1q42.3.
Variant type: single nucleotide variant.
Coding change: c.733G>T on transcript NM_152490.5 (MANE Select); coding-DNA position 733, G replaced by T.
Protein change: p.Asp245Tyr; replaces aspartic acid 245 with tyrosine.
Molecular consequence: missense variant.
Genome position (GRCh38, 1-based): chr1:235,470,879, C>A on the plus strand (G>T on the coding strand, the complement: B3GALNT2 is on the minus strand). VCF-style: chr1-235470879-C-A. GRCh37 (hg19) VCF-style: chr1-235634193-C-A.
Other names: c.856G>T, p.Asp286Tyr (NM_001277155.3); short protein forms D245Y, D286Y.
Identifiers: ClinVar variation 1414892 (VCV001414892.6), dbSNP rs751860328, ClinGen allele CA1464817.